The following is an entry in ClinVar:

NM_001040142.2(SCN2A):c.1738T>C (p.Phe580Leu)

Gene: SCN2A (sodium voltage-gated channel alpha subunit 2; plus strand). Cytogenetic location: 2q24.3.
Variant type: single nucleotide variant.
Coding change: c.1738T>C on transcript NM_001040142.2 (MANE Select); coding-DNA position 1738, T replaced by C.
Protein change: p.Phe580Leu; replaces phenylalanine 580 with leucine.
Molecular consequence: missense variant.
Genome position (GRCh38, 1-based): chr2:165,323,222, T>C. VCF-style: chr2-165323222-T-C. GRCh37 (hg19) VCF-style: chr2-166179732-T-C.
Other names: c.1738T>C, p.Phe580Leu (NM_001040143.2, NM_001371246.1, NM_001371247.1 and 1 more transcripts); short protein forms F580L.
Identifiers: ClinVar variation 2195985 (VCV002195985.4), dbSNP rs1352759851, ClinGen allele CA349026544.
Genomic context (GRCh38, chr2:165,323,222, plus strand): 5'-CTGAGCATCCGTGGCTCCCTTTTCTCTCCAAGACGCAACAGTAGGGCGAGCCTTTTCAGC[T>C]TCAGAGGTCGAGCAAAGGACATTGGCTCTGAGAATGACTTTGCTGATGATGAGCACAGCA-3'
Protein context (NP_001035232.1, residues 570-590): RRNSRASLFS[Phe580Leu]RGRAKDIGSE

ClinVar aggregate classification (germline): Uncertain significance (1 of 4 stars; one submission).

Conditions:
Developmental and epileptic encephalopathy, 11 (DEE11). Also called: Early infantile epileptic encephalopathy 11. Identifiers: Orphanet 1934, MedGen C3150987, MONDO:0013388, OMIM 613721.
Seizures, benign familial infantile, 3 (BFIS3). Also called: Familial neonatal seizures; CONVULSIONS, BENIGN FAMILIAL INFANTILE, 3. Identifiers: Orphanet 140927, Orphanet 306, MedGen C1843140, MONDO:0011904, OMIM 607745.

Allele frequency attached by ClinVar (database versions not stated): gnomAD exomes below 0.00001; gnomAD 0.00001; TOPMed 0.00002.
gnomAD v4.1: 4 of 1,614,106 alleles (0.00025%); highest among the groups gnomAD compares: African/African-American, 0.0053%; no homozygotes.

Submission:

Labcorp Genetics (formerly Invitae), Labcorp
Classification: Uncertain significance for Seizures, benign familial infantile, 3; Developmental and epileptic encephalopathy, 11. Last evaluated: 2022-07-12. Review status: criteria provided, single submitter. Criteria: Invitae Variant Classification Sherloc (09022015). Collection method: clinical testing. Allele origin: germline.
Comment: This sequence change replaces phenylalanine, which is neutral and non-polar, with leucine, which is neutral and non-polar, at codon 580 of the SCN2A protein (p.Phe580Leu). This variant is present in population databases (no rsID available, gnomAD 0.01%). This variant has not been reported in the literature in individuals affected with SCN2A-related conditions. Algorithms developed to predict the effect of missense changes on protein structure and function are either unavailable or do not agree on the potential impact of this missense change (SIFT: "Deleterious"; PolyPhen-2: "Probably Damaging"; Align-GVGD: "Class C0"). In summary, the available evidence is currently insufficient to determine the role of this variant in disease. Therefore, it has been classified as a Variant of Uncertain Significance.